The following is an entry in ClinVar:

NM_003482.4(KMT2D):c.13573G>T (p.Val4525Leu)

Gene: KMT2D (lysine methyltransferase 2D; minus strand). Cytogenetic location: 12q13.12.
Variant type: single nucleotide variant.
Coding change: c.13573G>T on transcript NM_003482.4 (MANE Select); coding-DNA position 13573, G replaced by T.
Protein change: p.Val4525Leu; replaces valine 4525 with leucine.
Molecular consequence: missense variant.
Genome position (GRCh38, 1-based): chr12:49,030,991, C>A on the plus strand (G>T on the coding strand, the complement: KMT2D is on the minus strand). VCF-style: chr12-49030991-C-A. GRCh37 (hg19) VCF-style: chr12-49424774-C-A.
Other names: short protein forms V4525L.
Identifiers: ClinVar variation 3347873 (VCV003347873.1).

ClinVar aggregate classification (germline): Uncertain significance (0 of 4 stars; one submission).

Conditions:
KMT2D-related disorder. Also called: KMT2D-Related Disorders.

Submission:

PreventionGenetics, part of Exact Sciences
Classification: Uncertain significance for KMT2D-related condition. Last evaluated: 2024-05-22. Review status: no assertion criteria provided. Collection method: clinical testing. Allele origin: germline.
Comment: The KMT2D c.13573G>T variant is predicted to result in the amino acid substitution p.Val4525Leu. To our knowledge, this variant has not been reported in the literature or in a large population database, indicating this variant is rare. At this time, the clinical significance of this variant is uncertain due to the absence of conclusive functional and genetic evidence.